The following is an entry in ClinVar:

ClinVar aggregate classification (germline): Uncertain significance (1 of 4 stars; one submission).

Submission:

GeneDx
Classification: Uncertain significance. Last evaluated: 2022-01-13. Review status: criteria provided, single submitter. Criteria: GeneDx Variant Classification Process June 2021. Collection method: clinical testing. Allele origin: germline. Affected: yes.
Comment: Not observed at significant frequency in large population cohorts (gnomAD); In silico analysis supports that this missense variant has a deleterious effect on protein structure/function; Has not been previously published as pathogenic or benign to our knowledge

NM_000489.6(ATRX):c.415G>T (p.Asp139Tyr)

Gene: ATRX (ATRX chromatin remodeler; minus strand). Cytogenetic location: Xq21.1.
Variant type: single nucleotide variant.
Coding change: c.415G>T on transcript NM_000489.6 (MANE Select); coding-DNA position 415, G replaced by T.
Protein change: p.Asp139Tyr; replaces aspartic acid 139 with tyrosine.
Molecular consequence: missense variant. On other transcripts: intron variant (1).
Genome position (GRCh38, 1-based): chrX:77,693,893, C>A on the plus strand (G>T on the coding strand, the complement: ATRX is on the minus strand). VCF-style: chrX-77693893-C-A. GRCh37 (hg19) VCF-style: chrX-76949382-C-A.
Other names: c.370+2684G>T (NM_138270.5); short protein forms D139Y.
Identifiers: ClinVar variation 1699821 (VCV001699821.2), dbSNP rs2148669890, ClinGen allele CA413723007.
Genomic context (GRCh38, chrX:77,693,893, plus strand): 5'-TTTTGAGATTTTCAGTTTTCATTTTACTTCTGCTTCTAAATTCAGGCCCTTTAAAATCAT[C>A]TTTGTCTTCATTCAGCACTGGCTCTGGCTGTACAATCACTGTACCTAGAATGATTTCATT-3'
Protein context (NP_000480.3, residues 129-149): QPEPVLNEDK[Asp139Tyr]DFKGPEFRSR